The following is an entry in ClinVar:

ClinVar aggregate classification (germline): Uncertain significance (1 of 4 stars; one submission).

Conditions:
Cardiovascular phenotype. Identifiers: MedGen CN230736.

Submission:

Ambry Genetics
Classification: Uncertain significance for Cardiovascular phenotype. Last evaluated: 2021-07-15. Review status: criteria provided, single submitter. Criteria: Ambry Variant Classification Scheme 2023. Collection method: clinical testing. Allele origin: germline.
Comment: The p.S1157T variant (also known as c.3470G>C), located in coding exon 23 of the ABCA1 gene, results from a G to C substitution at nucleotide position 3470. The serine at codon 1157 is replaced by threonine, an amino acid with similar properties. This amino acid position is conserved. In addition, this alteration is predicted to be tolerated by in silico analysis. Since supporting evidence is limited at this time, the clinical significance of this alteration remains unclear.

NM_005502.4(ABCA1):c.3470G>C (p.Ser1157Thr)

Gene: ABCA1 (ATP binding cassette subfamily A member 1; minus strand). Cytogenetic location: 9q31.1.
Variant type: single nucleotide variant.
Coding change: c.3470G>C on transcript NM_005502.4 (MANE Select); coding-DNA position 3470, G replaced by C.
Protein change: p.Ser1157Thr; replaces serine 1157 with threonine.
Molecular consequence: missense variant.
Genome position (GRCh38, 1-based): chr9:104,817,397, C>G on the plus strand (G>C on the coding strand, the complement: ABCA1 is on the minus strand). VCF-style: chr9-104817397-C-G. GRCh37 (hg19) VCF-style: chr9-107579678-C-G.
Other names: short protein forms S1157T.
Identifiers: ClinVar variation 1731739 (VCV001731739.2), dbSNP rs200664068, ClinGen allele CA374318492.
Genomic context (GRCh38, chr9:104,817,397, plus strand): 5'-GTCAGCGTGTCACTCTCATGGTCGCTGCCCAGGCCAGCATCAGAACTGCTCTGAGAAACA[C>G]TGTCCTCCTGATGGCAAAGAAGGAGGTGAGAACGGGTCAGGGACGGAGCAAGGCAGAGCC-3'
Protein context (NP_005493.2, residues 1147-1167): STVSYLKKED[Ser1157Thr]VSQSSSDAGL